The following is an entry in ClinVar:

ClinVar aggregate classification (germline): Uncertain significance (1 of 4 stars; one submission).

Conditions:
Cardiomyopathy (CMYO). Also called: Cardiomyopathies. Identifiers: Orphanet 167848, MedGen C0878544, MONDO:0004994, HP:0001638. Inheritance: Various modes of inheritance.

Submission:

Color Diagnostics, LLC DBA Color Health
Classification: Uncertain significance for Cardiomyopathy. Last evaluated: 2024-03-06. Review status: criteria provided, single submitter. Criteria: ACMG Guidelines, 2015. Collection method: clinical testing. Allele origin: germline.
Comment: This missense variant replaces glutamic acid with lysine at codon 3271 of the RYR2 protein. Computational prediction is inconclusive regarding the impact of this variant on protein structure and function (internally defined REVEL score threshold 0.5 < inconclusive < 0.7, PMID: 27666373). Splice site prediction tools suggest that this variant may not impact RNA splicing. To our knowledge, functional studies have not been performed for this variant. This variant has not been reported in individuals affected with cardiovascular disorders in the literature. This variant has not been identified in the general population by the Genome Aggregation Database (gnomAD). The available evidence is insufficient to determine the role of this variant in disease conclusively. Therefore, this variant is classified as a Variant of Uncertain Significance.

NM_001035.3(RYR2):c.9811G>A (p.Glu3271Lys)

Gene: RYR2 (ryanodine receptor 2; plus strand). Cytogenetic location: 1q43.
Variant type: single nucleotide variant.
Coding change: c.9811G>A on transcript NM_001035.3 (MANE Select); coding-DNA position 9811, G replaced by A.
Protein change: p.Glu3271Lys; replaces glutamic acid 3271 with lysine.
Molecular consequence: missense variant.
Genome position (GRCh38, 1-based): chr1:237,707,179, G>A. VCF-style: chr1-237707179-G-A. GRCh37 (hg19) VCF-style: chr1-237870479-G-A.
Other names: short protein forms E3271K.
Identifiers: ClinVar variation 918889 (VCV000918889.4), dbSNP rs1688453287, ClinGen allele CA345409105.